The following is an entry in ClinVar:

NM_004700.4(KCNQ4):c.1986C>G (p.Pro662=)

Gene: KCNQ4 (potassium voltage-gated channel subfamily Q member 4; plus strand). Cytogenetic location: 1p34.2.
Variant type: single nucleotide variant.
Coding change: c.1986C>G on transcript NM_004700.4 (MANE Select); coding-DNA position 1986, C replaced by G.
Protein change: p.Pro662=; no amino-acid change (proline 662 retained).
Molecular consequence: synonymous variant.
Genome position (GRCh38, 1-based): chr1:40,838,421, C>G. VCF-style: chr1-40838421-C-G. GRCh37 (hg19) VCF-style: chr1-41304093-C-G.
Other names: p.Pro662=; c.1824C>G, p.Pro608= (NM_172163.3).
Identifiers: ClinVar variation 226687 (VCV000226687.17), dbSNP rs191631836, ClinGen allele CA795052.

ClinVar aggregate classification (germline): Benign. Review status: criteria provided, multiple submitters, no conflicts (2 of 4 stars). 6 submissions from 6 submitters: Benign (6). Last evaluated 2026-01-20.

Conditions:
Autosomal dominant nonsyndromic hearing loss 2A. Also called: Autosomal dominant nonsyndromic deafness 2A; Deafness, autosomal dominant 2A; DFNA2 Nonsyndromic Hearing Loss. Identifiers: Orphanet 90635, MedGen C2677637, MONDO:0010817, OMIM 600101.

Allele frequency attached by ClinVar (database versions not stated): gnomAD exomes 0.00088 and 0.00304; gnomAD 0.00103 and 0.00145; TOPMed 0.00164; ExAC 0.00305; 1000 Genomes Project 30x 0.00640; 1000 Genomes Project 0.00739.
gnomAD v4.1: 1,622 of 1,614,138 alleles (0.1%); highest among the groups gnomAD compares: East Asian, 2.9%; 29 homozygotes.

Submissions (6):

Labcorp Genetics (formerly Invitae), Labcorp
Classification: Benign. Last evaluated: 2026-01-20. Review status: criteria provided, single submitter. Criteria: Invitae Variant Classification Sherloc (09022015). Collection method: clinical testing. Allele origin: germline.

Mayo Clinic Laboratories, Mayo Clinic
Classification: Benign. Last evaluated: 2025-03-13. Review status: criteria provided, single submitter. Criteria: ACMG Guidelines, 2015. Collection method: clinical testing. Allele origin: germline. Observed: 1 variant allele.
Comment: BA1, BS2, BP4, BP7

Genome-Nilou Lab
Classification: Benign for Autosomal dominant nonsyndromic hearing loss 2A. Last evaluated: 2023-04-11. Review status: criteria provided, single submitter. Criteria: ACMG Guidelines, 2015. Collection method: clinical testing. Allele origin: germline. Affected: no.

GeneDx
Classification: Benign. Last evaluated: 2018-05-14. Review status: criteria provided, single submitter. Criteria: GeneDx Variant Classification (06012015). Collection method: clinical testing. Allele origin: germline. Affected: yes.
Comment: This variant is considered likely benign or benign based on one or more of the following criteria: it is a conservative change, it occurs at a poorly conserved position in the protein, it is predicted to be benign by multiple in silico algorithms, and/or has population frequency not consistent with disease.

Laboratory for Molecular Medicine, Mass General Brigham Personalized Medicine
Classification: Benign. Last evaluated: 2015-07-05. Review status: criteria provided, single submitter. Criteria: LMM Criteria. Collection method: clinical testing. Allele origin: germline. Observed: 5 variant alleles.
Comment: p.Pro662Pro in exon 14 of KCNQ4: This variant is not expected to have clinical s ignificance because it been identified in 4% (350/8624) East Asian chromosomes b y the Exome Aggregation Consortium (dbSNP rs1916 31836), and because it does not alter an amino acid residue and is not located w ithin the splice consensus sequence.

Breakthrough Genomics
Classification: Benign. Review status: criteria provided, single submitter. Criteria: ACMG Guidelines, 2015. Collection method: not provided. Allele origin: germline. Inheritance: Autosomal dominant inheritance. Affected: yes.